The following is an entry in ClinVar:

NM_001317778.2(SFTPC):c.202G>T (p.Val68Phe)

Gene: SFTPC (surfactant protein C; plus strand). Cytogenetic location: 8p21.3.
Variant type: single nucleotide variant.
Coding change: c.202G>T on transcript NM_001317778.2 (MANE Select); coding-DNA position 202, G replaced by T.
Protein change: p.Val68Phe; replaces valine 68 with phenylalanine.
Molecular consequence: missense variant.
Genome position (GRCh38, 1-based): chr8:22,163,080, G>T. VCF-style: chr8-22163080-G-T. GRCh37 (hg19) VCF-style: chr8-22020593-G-T.
Other names: c.202G>T, p.Val68Phe (NM_001172357.2, NM_001172410.2, NM_001317780.2 and 8 more transcripts); c.43G>T, p.Val15Phe (NM_001317779.2, NM_001385660.1); short protein forms V68F, V15F.
Identifiers: ClinVar variation 1405693 (VCV001405693.11), dbSNP rs2131816806, ClinGen allele CA370537165.

ClinVar aggregate classification (germline): Conflicting classifications of pathogenicity. Review status: criteria provided, conflicting classifications (1 of 4 stars). 3 submissions from 3 submitters: Likely pathogenic (2); Uncertain significance (1). Last evaluated 2025-10-20.

Conditions:
SFTPC-related disorder. Also called: SFTPC-related condition.
Hereditary pulmonary alveolar proteinosis. Also called: Pulmonary surfactant metabolism dysfunction. Identifiers: Orphanet 264675, MedGen C3711368, MONDO:0012580.

Submissions (3):

PreventionGenetics, part of Exact Sciences
Classification: Likely pathogenic for SFTPC-related condition. Last evaluated: 2025-10-20. Review status: criteria provided, single submitter. Criteria: ACMG Guidelines, 2015. Collection method: clinical testing. Allele origin: germline.
Comment: The SFTPC c.202G>T variant is predicted to result in the amino acid substitution p.Val68Phe. This variant has been reported in individuals with interstitial lung disease (Table S1, Willander et al. 2012. PubMed ID: 22308375; Park et al. 2022. PubMed ID: 35034192). This variant has not been reported in a large population database (gnomAD), indicating it is rare. A different substitution affecting the same amino acid (p.Val68Asp) has also been reported in a patient with interstitial lung disease (Park et al. 2018. PubMed ID: 29805340). The c.202G>T (p.Val68Phe) variant is interpreted as likely pathogenic.

Labcorp Genetics (formerly Invitae), Labcorp
Classification: Uncertain significance. Last evaluated: 2021-05-13. Review status: criteria provided, single submitter. Criteria: Invitae Variant Classification Sherloc (09022015). Collection method: clinical testing. Allele origin: germline.
Comment: This sequence change replaces valine with phenylalanine at codon 68 of the SFTPC protein (p.Val68Phe). The valine residue is highly conserved and there is a small physicochemical difference between valine and phenylalanine. This variant is not present in population databases (ExAC no frequency). In summary, the available evidence is currently insufficient to determine the role of this variant in disease. Therefore, it has been classified as a Variant of Uncertain Significance. This variant disrupts the p.Val68 amino acid residue in SFTPC. Other variant(s) that disrupt this residue have been observed in individuals with SFTPC-related conditions (PMID: 29805340), which suggests that this may be a clinically significant amino acid residue. Algorithms developed to predict the effect of sequence changes on RNA splicing suggest that this variant may disrupt the consensus splice site, but this prediction has not been confirmed by published transcriptional studies. Algorithms developed to predict the effect of missense changes on protein structure and function (SIFT, PolyPhen-2, Align-GVGD) all suggest that this variant is likely to be disruptive, but these predictions have not been confirmed by published functional studies and their clinical significance is uncertain. This variant has been observed in individual(s) with clinical features of childhood interstitial lung disease (Invitae).

Ambry Genetics
Classification: Likely pathogenic for Hereditary pulmonary alveolar proteinosis. Last evaluated: 2021-05-07. Review status: criteria provided, single submitter. Criteria: Ambry Variant Classification Scheme 2023. Collection method: clinical testing. Allele origin: germline.
Comment: The p.V68F variant (also known as c.202G>T) is located in coding exon 3 of the SFTPC gene. The valine at codon 68 is replaced by phenylalanine, an amino acid with highly similar properties. This change occurs in the first base pair of coding exon 3. This variant was noted as an interstitial lung disease mutation and was identified in an infant; specific clinical information was not provided (Willander H et al. Proc Natl Acad Sci U S A, 2012 Feb;109:2325-9). In our internal cohort, this variant has been determined to be the result of a de novo mutation or germline mosaicism in one family with an isolated case of respiratory failure and interstitial lung disease (Ambry internal data). Based on internal structural analysis, V68F disrupts a conserved position in a motif responsible for stabilizing BRICHOS-substrate interactions in SFTPC (Stevens PA et al. Pediatr Res, 2005 Jan;57:89-98; Willander H et al. Proc Natl Acad Sci U S A, 2012 Feb;109:2325-9). This variant is considered to be rare based on population cohorts in the Genome Aggregation Database (gnomAD). This amino acid position is highly conserved in available vertebrate species. In addition, this alteration is predicted to be deleterious by in silico analysis. Based on the majority of available evidence to date, this variant is likely to be pathogenic.

Literature cited by the submitters: PubMed 29805340 (cited by Labcorp Genetics (formerly Invitae), Labcorp); PubMed 15557112 (cited by Ambry Genetics); PubMed 22308375 (cited by Ambry Genetics).